The following is an entry in ClinVar:

NM_003238.6(TGFB2):c.652C>G (p.Leu218Val)

Gene: TGFB2 (transforming growth factor beta 2; plus strand). Cytogenetic location: 1q41.
Variant type: single nucleotide variant.
Coding change: c.652C>G on transcript NM_003238.6 (MANE Select); coding-DNA position 652, C replaced by G.
Protein change: p.Leu218Val; replaces leucine 218 with valine.
Molecular consequence: missense variant. On other transcripts: non-coding transcript variant (2).
Genome position (GRCh38, 1-based): chr1:218,434,346, C>G. VCF-style: chr1-218434346-C-G. GRCh37 (hg19) VCF-style: chr1-218607688-C-G.
Other names: c.736C>G, p.Leu246Val (NM_001135599.4); short protein forms L246V, L218V.
Identifiers: ClinVar variation 3968059 (VCV003968059.1).
Genomic context (GRCh38, chr1:218,434,346, plus strand): 5'-TTAAGGGTATAGACACACATACAAATGACCTCCTTGACTTAATGTTTTCCAGACAGGAAC[C>G]TGGGATTTAAAATAAGCTTACACTGTCCCTGCTGCACTTTTGTACCATCTAATAATTACA-3'
Protein context (NP_003229.1, residues 208-228): HEWLHHKDRN[Leu218Val]GFKISLHCPC

ClinVar aggregate classification (germline): Uncertain significance (1 of 4 stars; one submission).

Conditions:
Familial thoracic aortic aneurysm and aortic dissection (TAAD). Also called: Thoracic aortic aneurysms and dissections. Identifiers: Orphanet 91387, MedGen C4707243, MONDO:0019625.

Submission:

Ambry Genetics
Classification: Uncertain significance for Familial thoracic aortic aneurysm and aortic dissection. Last evaluated: 2025-04-14. Review status: criteria provided, single submitter. Criteria: Ambry Variant Classification Scheme 2023. Collection method: clinical testing. Allele origin: germline.
Comment: The p.L218V variant (also known as c.652C>G), located in coding exon 4 of the TGFB2 gene, results from a C to G substitution at nucleotide position 652. The leucine at codon 218 is replaced by valine, an amino acid with highly similar properties. This amino acid position is conserved. In addition, this alteration is predicted to be tolerated by in silico analysis. Based on the available evidence, the clinical significance of this variant remains unclear.